The following is an entry in ClinVar:

NM_000552.5(VWF):c.212C>T (p.Ser71Leu)

Gene: VWF (von Willebrand factor; minus strand). Cytogenetic location: 12p13.31.
Variant type: single nucleotide variant.
Coding change: c.212C>T on transcript NM_000552.5 (MANE Select); coding-DNA position 212, C replaced by T.
Protein change: p.Ser71Leu; replaces serine 71 with leucine.
Molecular consequence: missense variant.
Genome position (GRCh38, 1-based): chr12:6,121,182, G>A on the plus strand (C>T on the coding strand, the complement: VWF is on the minus strand). VCF-style: chr12-6121182-G-A. GRCh37 (hg19) VCF-style: chr12-6230348-G-A.
Other names: short protein forms S71L.
Identifiers: ClinVar variation 2634207 (VCV002634207.1), dbSNP rs62643619, ClinGen allele CA6403871.

ClinVar aggregate classification (germline): Uncertain significance (1 of 4 stars; one submission).

Conditions:
VWF-related disorder. Also called: VWF-related disorders; VWF-related condition.

Allele frequency attached by ClinVar (database versions not stated): gnomAD 0.00001; gnomAD exomes 0.00001; ExAC 0.00002; TOPMed 0.00002.
gnomAD v4.1: 15 of 1,613,978 alleles (0.00093%); highest among the groups gnomAD compares: South Asian, 0.0099%; no homozygotes.

Submission:

PreventionGenetics, part of Exact Sciences
Classification: Uncertain significance for VWF-related condition. Last evaluated: 2023-06-01. Review status: criteria provided, single submitter. Criteria: ACMG Guidelines, 2015. Collection method: clinical testing. Allele origin: germline.
Comment: The VWF c.212C>T variant is predicted to result in the amino acid substitution p.Ser71Leu. To our knowledge, this variant has not been reported in the literature. This variant is reported in 0.0065% of alleles in individuals of South Asian descent in gnomAD. At this time, the clinical significance of this variant is uncertain due to the absence of conclusive functional and genetic evidence.